The following is an entry in ClinVar:

ClinVar aggregate classification (germline): Likely pathogenic (1 of 4 stars; one submission).

Conditions:
Autosomal recessive spastic paraplegia type 78. Identifiers: Orphanet 513436, MedGen C5567893, MONDO:0014975, OMIM 617225.
Kufor-Rakeb syndrome (KRS). Also called: PARKINSON DISEASE 9, AUTOSOMAL RECESSIVE, JUVENILE-ONSET. Identifiers: Orphanet 306674, Orphanet 314632, MedGen C1847640, MONDO:0011706, OMIM 606693.

Submission:

Labcorp Genetics (formerly Invitae), Labcorp
Classification: Likely pathogenic for Kufor-Rakeb syndrome; Autosomal recessive spastic paraplegia type 78. Last evaluated: 2024-09-26. Review status: criteria provided, single submitter. Criteria: Invitae Variant Classification Sherloc (09022015). Collection method: clinical testing. Allele origin: germline.
Comment: This sequence change affects an acceptor splice site in intron 1 of the ATP13A2 gene. It is expected to disrupt RNA splicing. Variants that disrupt the donor or acceptor splice site typically lead to a loss of protein function (PMID: 16199547), and loss-of-function variants in ATP13A2 are known to be pathogenic (PMID: 16964263, 21696388). This variant is not present in population databases (gnomAD no frequency). This variant has not been reported in the literature in individuals affected with ATP13A2-related conditions. Algorithms developed to predict the effect of sequence changes on RNA splicing suggest that this variant may disrupt the consensus splice site. In summary, the currently available evidence indicates that the variant is pathogenic, but additional data are needed to prove that conclusively. Therefore, this variant has been classified as Likely Pathogenic.

Literature cited by the submitters: PubMed 16199547; PubMed 16964263; PubMed 21696388.

NM_022089.4(ATP13A2):c.11-2A>G

Gene: ATP13A2 (ATPase cation transporting 13A2; minus strand). Cytogenetic location: 1p36.13.
Variant type: single nucleotide variant.
Coding change: c.11-2A>G on transcript NM_022089.4 (MANE Select); the canonical splice acceptor site of the intron before coding-DNA position 11, A replaced by G.
Molecular consequence: splice acceptor variant.
Genome position (GRCh38, 1-based): chr1:17,005,780, T>C on the plus strand (A>G on the coding strand, the complement: ATP13A2 is on the minus strand). VCF-style: chr1-17005780-T-C. GRCh37 (hg19) VCF-style: chr1-17332275-T-C.
Other names: c.11-2A>G (NM_001141974.3, NM_001141973.3).
Identifiers: ClinVar variation 3747902 (VCV003747902.2).